The following is an entry in ClinVar:

NM_002470.4(MYH3):c.3637C>T (p.Arg1213Trp)

Gene: MYH3 (myosin heavy chain 3; minus strand). Cytogenetic location: 17p13.1.
Variant type: single nucleotide variant.
Coding change: c.3637C>T on transcript NM_002470.4 (MANE Select); coding-DNA position 3637, C replaced by T.
Protein change: p.Arg1213Trp; replaces arginine 1213 with tryptophan.
Molecular consequence: missense variant.
Genome position (GRCh38, 1-based): chr17:10,638,135, G>A on the plus strand (C>T on the coding strand, the complement: MYH3 is on the minus strand). VCF-style: chr17-10638135-G-A. GRCh37 (hg19) VCF-style: chr17-10541452-G-A.
Other names: short protein forms R1213W.
Identifiers: ClinVar variation 2174413 (VCV002174413.5), dbSNP rs770230539, ClinGen allele CA8392459.

ClinVar aggregate classification (germline): Uncertain significance. Review status: criteria provided, multiple submitters, no conflicts (2 of 4 stars). 2 submissions from 2 submitters: Uncertain significance (2). Last evaluated 2024-09-24.

Allele frequency attached by ClinVar (database versions not stated): ExAC 0.00001; gnomAD 0.00001; gnomAD exomes 0.00002.
gnomAD v4.1: 24 of 1,613,450 alleles (0.0015%); highest among the groups gnomAD compares: South Asian, 0.0022%; no homozygotes.

Submissions (2):

Labcorp Genetics (formerly Invitae), Labcorp
Classification: Uncertain significance. Last evaluated: 2024-09-24. Review status: criteria provided, single submitter. Criteria: Invitae Variant Classification Sherloc (09022015). Collection method: clinical testing. Allele origin: germline.
Comment: This sequence change replaces arginine, which is basic and polar, with tryptophan, which is neutral and slightly polar, at codon 1213 of the MYH3 protein (p.Arg1213Trp). This variant is present in population databases (rs770230539, gnomAD 0.002%). This variant has not been reported in the literature in individuals affected with MYH3-related conditions. ClinVar contains an entry for this variant (Variation ID: 2174413). Invitae Evidence Modeling of protein sequence and biophysical properties (such as structural, functional, and spatial information, amino acid conservation, physicochemical variation, residue mobility, and thermodynamic stability) indicates that this missense variant is not expected to disrupt MYH3 protein function with a negative predictive value of 95%. In summary, the available evidence is currently insufficient to determine the role of this variant in disease. Therefore, it has been classified as a Variant of Uncertain Significance.

Blueprint Genetics
Classification: Uncertain significance. Last evaluated: 2024-01-30. Review status: criteria provided, single submitter. Criteria: ACMG Guidelines, 2015. Collection method: clinical testing. Allele origin: germline.